The following is an entry in ClinVar:

ClinVar aggregate classification (germline): Uncertain significance. Review status: criteria provided, multiple submitters, no conflicts (2 of 4 stars). 2 submissions from 2 submitters: Uncertain significance (2). Last evaluated 2022-07-06.

Allele frequency attached by ClinVar (database versions not stated): TOPMed below 0.00001; gnomAD 0.00001; gnomAD exomes 0.00001; ExAC 0.00002.
gnomAD v4.1: 20 of 1,614,002 alleles (0.0012%); highest among the groups gnomAD compares: Non-Finnish European, 0.0015%; no homozygotes.

Submissions (2):

Labcorp Genetics (formerly Invitae), Labcorp
Classification: Uncertain significance. Last evaluated: 2022-07-06. Review status: criteria provided, single submitter. Criteria: Invitae Variant Classification Sherloc (09022015). Collection method: clinical testing. Allele origin: germline.
Comment: In summary, the available evidence is currently insufficient to determine the role of this variant in disease. Therefore, it has been classified as a Variant of Uncertain Significance. Algorithms developed to predict the effect of missense changes on protein structure and function are either unavailable or do not agree on the potential impact of this missense change (SIFT: "Deleterious"; PolyPhen-2: "Benign"; Align-GVGD: "Class C25"). ClinVar contains an entry for this variant (Variation ID: 1035197). This variant has not been reported in the literature in individuals affected with RP1-related conditions. This variant is present in population databases (rs755182172, gnomAD 0.002%). This sequence change replaces leucine, which is neutral and non-polar, with valine, which is neutral and non-polar, at codon 239 of the RP1 protein (p.Leu239Val).

Blueprint Genetics
Classification: Uncertain significance. Last evaluated: 2022-03-16. Review status: criteria provided, single submitter. Criteria: ACMG Guidelines, 2015. Collection method: clinical testing. Allele origin: germline.

NM_006269.2(RP1):c.715C>G (p.Leu239Val)

Gene: RP1 (RP1 axonemal microtubule associated; plus strand). Cytogenetic location: 8q12.1.
Variant type: single nucleotide variant.
Coding change: c.715C>G on transcript NM_006269.2 (MANE Select); coding-DNA position 715, C replaced by G.
Protein change: p.Leu239Val; replaces leucine 239 with valine.
Molecular consequence: missense variant.
Genome position (GRCh38, 1-based): chr8:54,622,216, C>G. VCF-style: chr8-54622216-C-G. GRCh37 (hg19) VCF-style: chr8-55534776-C-G.
Other names: c.715C>G, p.Leu239Val (NM_001375654.1); short protein forms L239V.
Identifiers: ClinVar variation 1035197 (VCV001035197.7), dbSNP rs755182172, ClinGen allele CA4751247.